The following is an entry in ClinVar:

ClinVar aggregate classification (germline): Uncertain significance. Review status: criteria provided, multiple submitters, no conflicts (2 of 4 stars). 3 submissions from 3 submitters: Uncertain significance (2). 1 of the submissions does not count toward it. Last evaluated 2025-10-04.

Conditions:
Focal segmental glomerulosclerosis 2 (FSGS2). Identifiers: Orphanet 656, MedGen C1858915, MONDO:0011390, OMIM 603965.

Allele frequency attached by ClinVar (database versions not stated): ExAC 0.00002; gnomAD 0.00002; gnomAD exomes 0.00003; TOPMed 0.00003.
gnomAD v4.1: 44 of 1,613,744 alleles (0.0027%); highest among the groups gnomAD compares: Admixed American, 0.005%; no homozygotes.

Submissions (3):

Labcorp Genetics (formerly Invitae), Labcorp
Classification: Uncertain significance. Last evaluated: 2025-10-04. Review status: criteria provided, single submitter. Criteria: Invitae Variant Classification Sherloc (09022015). Collection method: clinical testing. Allele origin: germline.
Comment: This sequence change replaces arginine, which is basic and polar, with histidine, which is basic and polar, at codon 360 of the TRPC6 protein (p.Arg360His). This variant is present in population databases (rs777715086, gnomAD 0.006%). This missense change has been observed in individual(s) with focal segmental glomerulosclerosis (PMID: 22732337). ClinVar contains an entry for this variant (Variation ID: 633678). Invitae Evidence Modeling of protein sequence and biophysical properties (such as structural, functional, and spatial information, amino acid conservation, physicochemical variation, residue mobility, and thermodynamic stability) has been performed for this missense variant. However, the output from this modeling did not meet the statistical confidence thresholds required to predict the impact of this variant on TRPC6 protein function. Experimental studies are conflicting or provide insufficient evidence to determine the effect of this variant on TRPC6 function (PMID: 26892346). In summary, the available evidence is currently insufficient to determine the role of this variant in disease. Therefore, it has been classified as a Variant of Uncertain Significance.

Fulgent Genetics
Classification: Uncertain significance for Focal segmental glomerulosclerosis 2. Last evaluated: 2022-01-20. Review status: criteria provided, single submitter. Criteria: ACMG Guidelines, 2015. Collection method: clinical testing. Allele origin: unknown.

Gharavi Laboratory, Columbia University
Classification: Uncertain significance. Last evaluated: 2018-09-16. Review status: no assertion criteria provided. Criteria: ACMG Guidelines, 2015. Collection method: research. Allele origin: germline. Affected: no. Not counted in ClinVar's aggregate classification.

Literature cited by the submitters: PubMed 22732337 (cited by Labcorp Genetics (formerly Invitae), Labcorp); PubMed 26892346 (cited by Labcorp Genetics (formerly Invitae), Labcorp).

NM_004621.6(TRPC6):c.1079G>A (p.Arg360His)

Gene: TRPC6 (transient receptor potential cation channel subfamily C member 6; minus strand). Cytogenetic location: 11q22.1.
Variant type: single nucleotide variant.
Coding change: c.1079G>A on transcript NM_004621.6 (MANE Select); coding-DNA position 1079, G replaced by A.
Protein change: p.Arg360His; replaces arginine 360 with histidine.
Molecular consequence: missense variant.
Genome position (GRCh38, 1-based): chr11:101,491,605, C>T on the plus strand (G>A on the coding strand, the complement: TRPC6 is on the minus strand). VCF-style: chr11-101491605-C-T. GRCh37 (hg19) VCF-style: chr11-101362336-C-T.
Other names: short protein forms R360H.
Identifiers: ClinVar variation 633678 (VCV000633678.6), dbSNP rs777715086, ClinGen allele CA6244410.
Genomic context (GRCh38, chr11:101,491,605, plus strand): 5'-CCTGACCTTACTTTTTTTACTTCATATTTAATGGCAAGTTTTAAACGGCTGAGATTTGGG[C>T]GACCGTGATCACCACTCTGGAGCGTTTCAACATCCCCATTCAGAATGGCCTCGACTTCTT-3'
Protein context (NP_004612.2, residues 350-370): VETLQSGDHG[Arg360His]PNLSRLKLAI